The following is an entry in ClinVar:

NM_025144.4(ALPK1):c.3442G>T (p.Val1148Leu)

Gene: ALPK1 (alpha kinase 1; plus strand). Cytogenetic location: 4q25.
Variant type: single nucleotide variant.
Coding change: c.3442G>T on transcript NM_025144.4 (MANE Select); coding-DNA position 3442, G replaced by T.
Protein change: p.Val1148Leu; replaces valine 1148 with leucine.
Molecular consequence: missense variant.
Genome position (GRCh38, 1-based): chr4:112,439,776, G>T. VCF-style: chr4-112439776-G-T. GRCh37 (hg19) VCF-style: chr4-113360932-G-T.
Other names: c.3442G>T, p.Val1148Leu (NM_001102406.2); c.3208G>T, p.Val1070Leu (NM_001253884.2); short protein forms V1148L, V1070L.
Identifiers: ClinVar variation 4738631 (VCV004738631.1).

ClinVar aggregate classification (germline): Uncertain significance (1 of 4 stars; one submission).

gnomAD v4.1: 15 of 1,613,530 alleles (0.00093%); highest among the groups gnomAD compares: East Asian, 0.02%; no homozygotes.

Submission:

Labcorp Genetics (formerly Invitae), Labcorp
Classification: Uncertain significance. Last evaluated: 2026-01-02. Review status: criteria provided, single submitter. Criteria: Invitae Variant Classification Sherloc (09022015). Collection method: clinical testing. Allele origin: germline.
Comment: This sequence change replaces valine, which is neutral and non-polar, with leucine, which is neutral and non-polar, at codon 1148 of the ALPK1 protein (p.Val1148Leu). This variant is present in population databases (rs756767838, gnomAD 0.03%). This variant has not been reported in the literature in individuals affected with ALPK1-related conditions. An algorithm developed to predict the effect of missense changes on protein structure and function (PolyPhen-2) suggests that this variant is likely to be disruptive. In summary, the available evidence is currently insufficient to determine the role of this variant in disease. Therefore, it has been classified as a Variant of Uncertain Significance.